The following is an entry in ClinVar:

ClinVar aggregate classification (germline): Uncertain significance (1 of 4 stars; one submission).

Conditions:
Joubert syndrome. Also called: CEREBELLOPARENCHYMAL DISORDER IV; JOUBERT-BOLTSHAUSER SYNDROME; Familial aplasia of the vermis. Identifiers: Orphanet 475, MedGen C5979921, MONDO:0018772.

Allele frequency attached by ClinVar (database versions not stated): gnomAD exomes below 0.00001.
gnomAD v4.1: 1 of 1,613,676 alleles (0.000062%); highest among the groups gnomAD compares: South Asian, 0.0011%; no homozygotes.

Submission:

Labcorp Genetics (formerly Invitae), Labcorp
Classification: Uncertain significance for Joubert syndrome. Last evaluated: 2023-06-29. Review status: criteria provided, single submitter. Criteria: Invitae Variant Classification Sherloc (09022015). Collection method: clinical testing. Allele origin: germline.
Comment: This sequence change replaces threonine, which is neutral and polar, with alanine, which is neutral and non-polar, at codon 1063 of the AHI1 protein (p.Thr1063Ala). This variant is not present in population databases (gnomAD no frequency). This variant has not been reported in the literature in individuals affected with AHI1-related conditions. ClinVar contains an entry for this variant (Variation ID: 1722054). Advanced modeling of protein sequence and biophysical properties (such as structural, functional, and spatial information, amino acid conservation, physicochemical variation, residue mobility, and thermodynamic stability) performed at Invitae indicates that this missense variant is not expected to disrupt AHI1 protein function. In summary, the available evidence is currently insufficient to determine the role of this variant in disease. Therefore, it has been classified as a Variant of Uncertain Significance.

NM_001134831.2(AHI1):c.3187A>G (p.Thr1063Ala)

Gene: AHI1 (Abelson helper integration site 1; minus strand). Cytogenetic location: 6q23.3.
Variant type: single nucleotide variant.
Coding change: c.3187A>G on transcript NM_001134831.2 (MANE Select); coding-DNA position 3187, A replaced by G.
Protein change: p.Thr1063Ala; replaces threonine 1063 with alanine.
Molecular consequence: missense variant.
Genome position (GRCh38, 1-based): chr6:135,323,303, T>C on the plus strand (A>G on the coding strand, the complement: AHI1 is on the minus strand). VCF-style: chr6-135323303-T-C. GRCh37 (hg19) VCF-style: chr6-135644441-T-C.
Other names: c.3187A>G, p.Thr1063Ala (NM_001134830.2, NM_001350503.2, NM_001350504.2 and 1 more transcripts); short protein forms T1063A.
Identifiers: ClinVar variation 1722054 (VCV001722054.6), dbSNP rs2483267565, ClinGen allele CA365845796.